The following is an entry in ClinVar:

ClinVar aggregate classification (germline): Uncertain significance (1 of 4 stars; one submission).

Allele frequency attached by ClinVar (database versions not stated): ExAC 0.00002; gnomAD 0.00002.
gnomAD v4.1: 21 of 1,612,346 alleles (0.0013%); highest among the groups gnomAD compares: Admixed American, 0.0067%; no homozygotes.

Submission:

Ambry Genetics
Classification: Uncertain significance. Last evaluated: 2024-03-21. Review status: criteria provided, single submitter. Criteria: Ambry Variant Classification Scheme 2023. Collection method: clinical testing. Allele origin: germline.
Comment: The p.R198W variant (also known as c.592C>T), located in coding exon 4 of the MNDA gene, results from a C to T substitution at nucleotide position 592. The arginine at codon 198 is replaced by tryptophan, an amino acid with dissimilar properties. This amino acid position is conserved. In addition, this alteration is predicted to be tolerated by in silico analysis. Since supporting evidence is limited at this time, the clinical significance of this alteration remains unclear.

NM_002432.3(MNDA):c.592C>T (p.Arg198Trp)

Gene: MNDA (myeloid cell nuclear differentiation antigen; plus strand). Cytogenetic location: 1q23.1.
Variant type: single nucleotide variant.
Coding change: c.592C>T on transcript NM_002432.3 (MANE Select); coding-DNA position 592, C replaced by T.
Protein change: p.Arg198Trp; replaces arginine 198 with tryptophan.
Molecular consequence: missense variant.
Genome position (GRCh38, 1-based): chr1:158,845,608, C>T. VCF-style: chr1-158845608-C-T. GRCh37 (hg19) VCF-style: chr1-158815398-C-T.
Other names: short protein forms R198W.
Identifiers: ClinVar variation 1750546 (VCV001750546.2), dbSNP rs758635073, ClinGen allele CA1185661.